The following is an entry in ClinVar:

ClinVar aggregate classification (germline): Uncertain significance (1 of 4 stars; one submission).

Submission:

Ambry Genetics
Classification: Uncertain significance. Last evaluated: 2023-06-08. Review status: criteria provided, single submitter. Criteria: Ambry Variant Classification Scheme 2023. Collection method: clinical testing. Allele origin: germline.
Comment: The p.S498F variant (also known as c.1493C>T), located in coding exon 13 of the NPAT gene, results from a C to T substitution at nucleotide position 1493. The serine at codon 498 is replaced by phenylalanine, an amino acid with highly dissimilar properties. This amino acid position is conserved. In addition, this alteration is predicted to be tolerated by in silico analysis. Since supporting evidence is limited at this time, the clinical significance of this alteration remains unclear.

NM_002519.3(NPAT):c.1493C>T (p.Ser498Phe)

Gene: NPAT (nuclear protein, coactivator of histone transcription; minus strand). Cytogenetic location: 11q22.3.
Variant type: single nucleotide variant.
Coding change: c.1493C>T on transcript NM_002519.3 (MANE Select); coding-DNA position 1493, C replaced by T.
Protein change: p.Ser498Phe; replaces serine 498 with phenylalanine.
Molecular consequence: missense variant.
Genome position (GRCh38, 1-based): chr11:108,173,491, G>A on the plus strand (C>T on the coding strand, the complement: NPAT is on the minus strand). VCF-style: chr11-108173491-G-A. GRCh37 (hg19) VCF-style: chr11-108044218-G-A.
Other names: c.1493C>T, p.Ser498Phe (NM_001321307.1); short protein forms S498F.
Identifiers: ClinVar variation 2568033 (VCV002568033.2), dbSNP rs2496721075, ClinGen allele CA382515041.